The following is an entry in ClinVar:

ClinVar aggregate classification (germline): Likely benign. Review status: criteria provided, multiple submitters, no conflicts (2 of 4 stars). 4 submissions from 4 submitters: Likely benign (4). Last evaluated 2025-12-13.

Allele frequency attached by ClinVar (database versions not stated): gnomAD 0.00001; gnomAD exomes 0.00001 and 0.00002; ExAC 0.00002; TOPMed 0.00002.
gnomAD v4.1: 11 of 1,613,772 alleles (0.00068%); highest among the groups gnomAD compares: Non-Finnish European, 0.00093%; no homozygotes.

Submissions (4):

Labcorp Genetics (formerly Invitae), Labcorp
Classification: Likely benign. Last evaluated: 2025-12-13. Review status: criteria provided, single submitter. Criteria: Invitae Variant Classification Sherloc (09022015). Collection method: clinical testing. Allele origin: germline.

Blueprint Genetics
Classification: Likely benign. Last evaluated: 2024-11-26. Review status: criteria provided, single submitter. Criteria: ACMG Guidelines, 2015. Collection method: clinical testing. Allele origin: germline.

CeGaT Center for Human Genetics Tuebingen
Classification: Likely benign. Last evaluated: 2024-11-01. Review status: criteria provided, single submitter. Criteria: CeGaT Center For Human Genetics Tuebingen Variant Classification Criteria Version 2. Collection method: clinical testing. Allele origin: germline. Affected: yes. Observed: 1 variant allele.
Comment: COL2A1: BP4, BP7

GeneDx
Classification: Likely benign. Last evaluated: 2019-08-07. Review status: criteria provided, single submitter. Criteria: GeneDx Variant Classification Process June 2021. Collection method: clinical testing. Allele origin: germline. Affected: yes.

NM_001844.5(COL2A1):c.3057T>G (p.Pro1019=)

Gene: COL2A1 (collagen type II alpha 1 chain; minus strand). Cytogenetic location: 12q13.11.
Variant type: single nucleotide variant.
Coding change: c.3057T>G on transcript NM_001844.5 (MANE Select); coding-DNA position 3057, T replaced by G.
Protein change: p.Pro1019=; no amino-acid change (proline 1019 retained).
Molecular consequence: synonymous variant.
Genome position (GRCh38, 1-based): chr12:47,978,064, A>C on the plus strand (T>G on the coding strand, the complement: COL2A1 is on the minus strand). VCF-style: chr12-47978064-A-C. GRCh37 (hg19) VCF-style: chr12-48371847-A-C.
Other names: c.2850T>G, p.Pro950= (NM_033150.3).
Identifiers: ClinVar variation 1205784 (VCV001205784.23), dbSNP rs767248078, ClinGen allele CA6534908.
Genomic context (GRCh38, chr12:47,978,064, plus strand): 5'-GCTCACCTCTCGTCCAGGTTCACCTGCAGGACCCGTCAGGCCAGGAGGACCCACGGGGCC[A>C]GGAGGACCTCTGTCTCCAGATGCTCCAGGAGCACCCTGCTTGCCGGGCTCACCCTGGAGG-3'
Protein context (NP_001835.3, residues 1009-1029): APGASGDRGP[Pro1019=]GPVGPPGLTG